The following is an entry in ClinVar:

ClinVar aggregate classification (germline): Benign (1 of 4 stars; one submission).

Allele frequency attached by ClinVar (database versions not stated): gnomAD 0.08346 and 0.08489; TOPMed 0.08490; 1000 Genomes Project 30x 0.09947; 1000 Genomes Project 0.10024.
gnomAD v4.1: 12,894 of 152,204 alleles (8.5%); highest among the groups gnomAD compares: South Asian, 13%; 595 homozygotes.

Submission:

GeneDx
Classification: Benign. Last evaluated: 2018-06-19. Review status: criteria provided, single submitter. Criteria: GeneDx Variant Classification (06012015). Collection method: clinical testing. Allele origin: germline. Affected: yes.
Comment: This variant is considered likely benign or benign based on one or more of the following criteria: it is a conservative change, it occurs at a poorly conserved position in the protein, it is predicted to be benign by multiple in silico algorithms, and/or has population frequency not consistent with disease.

NM_005045.4(RELN):c.5797+251G>A

Gene: RELN (reelin; minus strand). Cytogenetic location: 7q22.1.
Variant type: single nucleotide variant.
Coding change: c.5797+251G>A on transcript NM_005045.4 (MANE Select); 251 bases into the intron after coding-DNA position 5797, G replaced by A.
Molecular consequence: intron variant.
Genome position (GRCh38, 1-based): chr7:103,556,726, C>T on the plus strand (G>A on the coding strand, the complement: RELN is on the minus strand). VCF-style: chr7-103556726-C-T. GRCh37 (hg19) VCF-style: chr7-103197173-C-T.
Other names: c.5797+251G>A (NM_173054.3).
Identifiers: ClinVar variation 671827 (VCV000671827.1), dbSNP rs10241240, ClinGen allele CA163906851.